The following is an entry in ClinVar:

NM_003280.3(TNNC1):c.64G>T (p.Ala22Ser)

Gene: TNNC1 (troponin C1, slow skeletal and cardiac type; minus strand). Cytogenetic location: 3p21.1.
Variant type: single nucleotide variant.
Coding change: c.64G>T on transcript NM_003280.3 (MANE Select); coding-DNA position 64, G replaced by T.
Protein change: p.Ala22Ser; replaces alanine 22 with serine.
Molecular consequence: missense variant.
Genome position (GRCh38, 1-based): chr3:52,452,244, C>A on the plus strand (G>T on the coding strand, the complement: TNNC1 is on the minus strand). VCF-style: chr3-52452244-C-A. GRCh37 (hg19) VCF-style: chr3-52486260-C-A.
Other names: short protein forms A22S.
Identifiers: ClinVar variation 2671823 (VCV002671823.4), dbSNP rs2471444722, ClinGen allele CA353169634.

ClinVar aggregate classification (germline): Uncertain significance. Review status: criteria provided, multiple submitters, no conflicts (2 of 4 stars). 3 submissions from 3 submitters: Uncertain significance (3). Last evaluated 2025-03-26.

Conditions:
Dilated cardiomyopathy 1Z (CMD1Z). Identifiers: Orphanet 154, MedGen C2678475, MONDO:0012745, OMIM 611879.
Hypertrophic cardiomyopathy 13. Also called: TNNC1-Related Familial Hypertrophic Cardiomyopathy. Identifiers: MedGen C2750472, MONDO:0013195, OMIM 613243.
Cardiovascular phenotype. Identifiers: MedGen CN230736.

Allele frequency attached by ClinVar (database versions not stated): gnomAD exomes below 0.00001.
gnomAD v4.1: 1 of 1,611,940 alleles (0.000062%); highest among the groups gnomAD compares: Non-Finnish European, 0.000085%; no homozygotes.

Submissions (3):

Labcorp Genetics (formerly Invitae), Labcorp
Classification: Uncertain significance for Hypertrophic cardiomyopathy 13; Dilated cardiomyopathy 1Z. Last evaluated: 2025-03-26. Review status: criteria provided, single submitter. Criteria: Invitae Variant Classification Sherloc (09022015). Collection method: clinical testing. Allele origin: germline.
Comment: This sequence change replaces alanine, which is neutral and non-polar, with serine, which is neutral and polar, at codon 22 of the TNNC1 protein (p.Ala22Ser). This variant is not present in population databases (gnomAD no frequency). This variant has not been reported in the literature in individuals affected with TNNC1-related conditions. ClinVar contains an entry for this variant (Variation ID: 2671823). An algorithm developed to predict the effect of missense changes on protein structure and function (PolyPhen-2) suggests that this variant is likely to be disruptive. In summary, the available evidence is currently insufficient to determine the role of this variant in disease. Therefore, it has been classified as a Variant of Uncertain Significance.

Ambry Genetics
Classification: Uncertain significance for Cardiovascular phenotype. Last evaluated: 2024-09-24. Review status: criteria provided, single submitter. Criteria: Ambry Variant Classification Scheme 2023. Collection method: clinical testing. Allele origin: germline.
Comment: The p.A22S variant (also known as c.64G>T), located in coding exon 3 of the TNNC1 gene, results from a G to T substitution at nucleotide position 64. The alanine at codon 22 is replaced by serine, an amino acid with similar properties. This amino acid position is conserved. In addition, the in silico prediction for this alteration is inconclusive. Based on the available evidence, the clinical significance of this variant remains unclear.

Center for Human Genetics and Genomic Medicine, Uniklinik Rwth Aachen
Classification: Uncertain significance for Dilated cardiomyopathy 1Z. Last evaluated: 2023-12-14. Review status: criteria provided, single submitter. Criteria: ACMG Guidelines, 2015. Collection method: clinical testing. Allele origin: germline. Affected: yes. Observed: 1 heterozygote.
Comment: It is absent from databases and the literature, segregation analyses have not yet been performed.